The following is an entry in ClinVar:

ClinVar aggregate classification (germline): Conflicting classifications of pathogenicity. Review status: criteria provided, conflicting classifications (1 of 4 stars). 2 submissions from 2 submitters: Likely pathogenic (1); Uncertain significance (1). Last evaluated 2022-11-29.

Conditions:
Cardiovascular phenotype. Identifiers: MedGen CN230736.
Hypertrophic cardiomyopathy 2. Also called: TNNT2-Related Familial Hypertrophic Cardiomyopathy. Identifiers: MedGen C1861864, MONDO:0007266, OMIM 115195.
Cardiomyopathy, familial restrictive, 3. Identifiers: Orphanet 75249, MedGen C2676271, MONDO:0012900, OMIM 612422.
Dilated cardiomyopathy 1D. Identifiers: Orphanet 154, Orphanet 54260, MedGen C1832243, MONDO:0011095, OMIM 601494.

Submissions (2):

Labcorp Genetics (formerly Invitae), Labcorp
Classification: Likely pathogenic for Cardiomyopathy, familial restrictive, 3; Hypertrophic cardiomyopathy 2; Dilated cardiomyopathy 1D. Last evaluated: 2022-11-29. Review status: criteria provided, single submitter. Criteria: Invitae Variant Classification Sherloc (09022015). Collection method: clinical testing. Allele origin: germline.
Comment: Advanced modeling of protein sequence and biophysical properties (such as structural, functional, and spatial information, amino acid conservation, physicochemical variation, residue mobility, and thermodynamic stability) performed at Invitae indicates that this missense variant is expected to disrupt TNNT2 protein function. This sequence change replaces arginine, which is basic and polar, with serine, which is neutral and polar, at codon 286 of the TNNT2 protein (p.Arg286Ser). This variant is not present in population databases (gnomAD no frequency). This variant has not been reported in the literature in individuals affected with TNNT2-related conditions. ClinVar contains an entry for this variant (Variation ID: 577168). This variant disrupts the p.Arg286 amino acid residue in TNNT2. Other variant(s) that disrupt this residue have been determined to be pathogenic (PMID: 12707239, 12860912, 23785128, 26507537). This suggests that this residue is clinically significant, and that variants that disrupt this residue are likely to be disease-causing. In summary, the currently available evidence indicates that the variant is pathogenic, but additional data are needed to prove that conclusively. Therefore, this variant has been classified as Likely Pathogenic.

Ambry Genetics
Classification: Uncertain significance for Cardiovascular phenotype. Last evaluated: 2018-04-04. Review status: criteria provided, single submitter. Criteria: Ambry Variant Classification Scheme 2023. Collection method: clinical testing. Allele origin: germline.
Comment: The p.R286S variant (also known as c.856C>A), located in coding exon 15 of the TNNT2 gene, results from a C to A substitution at nucleotide position 856. The arginine at codon 286 is replaced by serine, an amino acid with dissimilar properties. Three different alterations located at the same position, p.R286C, p.R286H, and p.R286H, have been reported in multiple individuals with hypertrophic cardiomyopathy (HCM) (Van Driest SL et al., Circulation 2003 Jul; 108(4):445-51; Andersen PS et al., Hum. Mutat. 2009 Mar; 30(3):363-70; Berge KE et al., Clin. Genet. 2014 Oct; 86(4):355-60; Chiou KR et al., J Cardiol 2015 Mar; 65(3):250-6; Lopes LR et al., Heart 2015 Feb; 101(4):294-301; Ripoll-Vera T et al., Rev Esp Cardiol (Engl Ed) 2016 Feb; 69(2):149-58; Richard P et al. Circulation. 2003;107(17):2227-32; Mook OR et al. J Med Genet. 2013;50(9):614-26; Coppini R et al. J Am Coll Cardiol. 2014;64(24):2589-600). This amino acid position is highly conserved in available vertebrate species. In addition, the in silico prediction for this alteration is inconclusive. Since supporting evidence is limited at this time, the clinical significance of this alteration remains unclear.

Literature cited by the submitters: PubMed 12707239 (cited by Labcorp Genetics (formerly Invitae), Labcorp); PubMed 12860912 (cited by Labcorp Genetics (formerly Invitae), Labcorp); PubMed 23785128 (cited by Labcorp Genetics (formerly Invitae), Labcorp); PubMed 26507537 (cited by Labcorp Genetics (formerly Invitae), Labcorp).

NM_001276345.2(TNNT2):c.886C>A (p.Arg296Ser)

Gene: TNNT2 (troponin T2, cardiac type; minus strand). Cytogenetic location: 1q32.1.
Variant type: single nucleotide variant.
Coding change: c.886C>A on transcript NM_001276345.2 (MANE Select); coding-DNA position 886, C replaced by A.
Protein change: p.Arg296Ser; replaces arginine 296 with serine.
Molecular consequence: missense variant.
Genome position (GRCh38, 1-based): chr1:201,359,221, G>T on the plus strand (C>A on the coding strand, the complement: TNNT2 is on the minus strand). VCF-style: chr1-201359221-G-T. GRCh37 (hg19) VCF-style: chr1-201328349-G-T.
Other names: c.877C>A, p.Arg293Ser (NM_000364.4); c.856C>A, p.Arg286Ser (NM_001001430.3, NM_001276347.2); c.847C>A, p.Arg283Ser (NM_001001431.3); c.838C>A, p.Arg280Ser (NM_001001432.3); c.757C>A, p.Arg253Ser (NM_001276346.2); short protein forms R293S, R286S, R283S, R253S, R280S, R296S.
Identifiers: ClinVar variation 577168 (VCV000577168.10), dbSNP rs367785431, ClinGen allele CA344201835.